The following is an entry in ClinVar:

ClinVar aggregate classification (germline): Pathogenic. Review status: criteria provided, multiple submitters, no conflicts (2 of 4 stars). 2 submissions from 2 submitters: Pathogenic (2). Last evaluated 2022-11-20.

Conditions:
Hereditary spastic paraplegia 11. Also called: Spastic paraplegia, mental retardation and thin corpus callosum; SPASTIC PARAPLEGIA, AUTOSOMAL RECESSIVE, COMPLICATED, WITH THIN CORPUS CALLOSUM; SPASTIC PARAPLEGIA, AUTOSOMAL RECESSIVE, WITH MENTAL IMPAIRMENT AND THIN CORPUS CALLOSUM; Spastic Paraplegia 11; Nakamura Osame syndrome; Autosomal recessive hereditary spastic paraplegia, mental impairment, and thin corpus callosum. Identifiers: Orphanet 2822, MedGen C1858479, MONDO:0011445, OMIM 604360.

Allele frequency attached by ClinVar (database versions not stated): gnomAD exomes below 0.00001.

Submissions (2):

Labcorp Genetics (formerly Invitae), Labcorp
Classification: Pathogenic for Hereditary spastic paraplegia 11. Last evaluated: 2022-11-20. Review status: criteria provided, single submitter. Criteria: Invitae Variant Classification Sherloc (09022015). Collection method: clinical testing. Allele origin: germline.
Comment: This sequence change creates a premature translational stop signal (p.Ser1955Thrfs*11) in the SPG11 gene. It is expected to result in an absent or disrupted protein product. Loss-of-function variants in SPG11 are known to be pathogenic (PMID: 19105190, 20110243, 22154821, 26556829). For these reasons, this variant has been classified as Pathogenic. This variant has not been reported in the literature in individuals affected with SPG11-related conditions. This variant is not present in population databases (gnomAD no frequency). Algorithms developed to predict the effect of sequence changes on RNA splicing suggest that this variant may create or strengthen a splice site.

Victorian Clinical Genetics Services, Murdoch Childrens Research Institute
Classification: Pathogenic for Hereditary spastic paraplegia 11. Last evaluated: 2022-02-02. Review status: criteria provided, single submitter. Criteria: ACMG Guidelines, 2015. Collection method: clinical testing. Allele origin: germline. Inheritance: Autosomal recessive inheritance.
Comment: Based on the classification scheme VCGS_Germline_v1.3.4, this variant is classified as Pathogenic. Following criteria are met: 0102 - Loss of function is a known mechanism of disease in this gene and is associated with juvenile amyotrophic lateral sclerosis 5 (MIM#602099), Charcot-Marie-Tooth disease, axonal, type 2X (MIM#616668) and spastic paraplegia 11 (MIM#604360). The genotype-phenotype correlation is currently unestablished. (I) 0106 - This gene is associated with autosomal recessive disease. (I) 0201 - Variant is predicted to cause nonsense-mediated decay (NMD) and loss of protein (premature termination codon is located at least 54 nucleotides upstream of the final exon-exon junction). (SP) 0251 - This variant is heterozygous. (I) 0301 - Variant is absent from gnomAD (both v2 and v3). (SP) 0701 - Other NMD-predicted variants comparable to the one identified in this case have very strong previous evidence for pathogenicity (ClinVar). (SP) 0807 - This variant has no previous evidence of pathogenicity. (I) 0905 - No published segregation evidence has been identified for this variant. (I) 1007 - No published functional evidence has been identified for this variant. (I) 1208 - Inheritance information for this variant is not currently available in this individual. (I) Legend: (SP) - Supporting pathogenic, (I) - Information, (SB) - Supporting benign

Literature cited by the submitters: PubMed 19105190 (cited by Labcorp Genetics (formerly Invitae), Labcorp); PubMed 20110243 (cited by Labcorp Genetics (formerly Invitae), Labcorp); PubMed 22154821 (cited by Labcorp Genetics (formerly Invitae), Labcorp); PubMed 26556829 (cited by Labcorp Genetics (formerly Invitae), Labcorp).

NM_025137.4(SPG11):c.5864del (p.Ser1955fs)

Gene: SPG11 (SPG11 vesicle trafficking associated, spatacsin; minus strand). Cytogenetic location: 15q21.1.
Variant type: Deletion.
Coding change: c.5864del on transcript NM_025137.4 (MANE Select); coding-DNA position 5864, one base deleted (G; older notation c.5864delG).
Protein change: p.Ser1955fs; shifts the reading frame from serine 1955.
Molecular consequence: frameshift variant.
Genome position (GRCh38, 1-based): chr15:44,583,816, C deleted on the plus strand (G on the coding strand, the reverse complement: SPG11 is on the minus strand). VCF-style (leftmost placement, unchanged base first): chr15-44583815-GC-G. GRCh37 (hg19) VCF-style: chr15-44876013-GC-G.
Other names: c.5864del, p.Ser1955fs (NM_001160227.2); c.5720delG, p.Ser1907Thrfs (NM_001411132.1); short protein forms S1955fs.
Identifiers: ClinVar variation 1805258 (VCV001805258.4), dbSNP rs2505289183, ClinGen allele CA2573050732.